The following is an entry in ClinVar:

NM_000384.3(APOB):c.11337T>G (p.Phe3779Leu)

Gene: APOB (apolipoprotein B; minus strand). Cytogenetic location: 2p24.1.
Variant type: single nucleotide variant.
Coding change: c.11337T>G on transcript NM_000384.3 (MANE Select); coding-DNA position 11337, T replaced by G.
Protein change: p.Phe3779Leu; replaces phenylalanine 3779 with leucine.
Molecular consequence: missense variant.
Genome position (GRCh38, 1-based): chr2:21,005,531, A>C on the plus strand (T>G on the coding strand, the complement: APOB is on the minus strand). VCF-style: chr2-21005531-A-C. GRCh37 (hg19) VCF-style: chr2-21228403-A-C.
Other names: short protein forms F3779L.
Identifiers: ClinVar variation 4536490 (VCV004536490.1).

ClinVar aggregate classification (germline): Uncertain significance (1 of 4 stars; one submission).

Submission:

GeneDx
Classification: Uncertain significance. Last evaluated: 2025-06-02. Review status: criteria provided, single submitter. Criteria: GeneDx Variant Classification Process June 2021. Collection method: clinical testing. Allele origin: germline. Affected: yes.
Comment: Not observed at significant frequency in large population cohorts (gnomAD); In silico analysis supports that this missense variant has a deleterious effect on protein structure/function; Has not been previously published as pathogenic or benign to our knowledge